The following is an entry in ClinVar:

NM_014023.4(WDR37):c.945C>T (p.Leu315=)

Gene: WDR37 (WD repeat domain 37; plus strand). Cytogenetic location: 10p15.3.
Variant type: single nucleotide variant.
Coding change: c.945C>T on transcript NM_014023.4 (MANE Select); coding-DNA position 945, C replaced by T.
Protein change: p.Leu315=; no amino-acid change (leucine 315 retained).
Molecular consequence: synonymous variant.
Genome position (GRCh38, 1-based): chr10:1,103,820, C>T. VCF-style: chr10-1103820-C-T. GRCh37 (hg19) VCF-style: chr10-1149760-C-T.
Identifiers: ClinVar variation 4873645 (VCV004873645.2).

ClinVar aggregate classification (germline): Likely benign (1 of 4 stars; one submission).

gnomAD v4.1: 18 of 1,614,036 alleles (0.0011%); highest among the groups gnomAD compares: Non-Finnish European, 0.0015%; no homozygotes.

Submission:

CeGaT Center for Human Genetics Tuebingen
Classification: Likely benign. Last evaluated: 2026-05-01. Review status: criteria provided, single submitter. Criteria: CeGaT Center For Human Genetics Tuebingen Variant Classification Criteria Version 2. Collection method: clinical testing. Allele origin: germline. Affected: yes. Observed: 1 variant allele.
Comment: WDR37: BP4, BP7